The following is an entry in ClinVar:

NM_022148.4(CRLF2):c.406G>A (p.Val136Met)

Gene: CRLF2 (cytokine receptor like factor 2; minus strand). Cytogenetic location: Xp22.33.
Variant type: single nucleotide variant.
Coding change: c.406G>A on transcript NM_022148.4 (MANE Select); coding-DNA position 406, G replaced by A.
Protein change: p.Val136Met; replaces valine 136 with methionine.
Molecular consequence: missense variant. On other transcripts: non-coding transcript variant (1).
Genome position (GRCh38, 1-based): chrX:1,202,479, C>T on the plus strand (G>A on the coding strand, the complement: CRLF2 is on the minus strand). VCF-style: chrX-1202479-C-T. GRCh37 (hg19) VCF-style: chrX-1321349-C-T.
Other names: c.70G>A, p.Val24Met (NM_001012288.3); short protein forms V24M, V136M.
Identifiers: ClinVar variation 133948 (VCV000133948.1), dbSNP rs138899368, ClinGen allele CA158217.

ClinVar aggregate classification (germline): not provided (0 of 4 stars; one submission).

Allele frequency attached by ClinVar (database versions not stated): 1000 Genomes Project 0.01113; 1000 Genomes Project 30x 0.01145; gnomAD exomes 0.01757 and 0.02216; ExAC 0.01764; gnomAD 0.01909 and 0.02017; TOPMed 0.02088; ESP Exome Variant Server 0.02175.
gnomAD v4.1: 35,378 of 1,613,560 alleles (2.2%); highest among the groups gnomAD compares: Non-Finnish European, 2.4%; 467 homozygotes.

Submission:

ITMI
No classification provided. Condition: AllHighlyPenetrant. Last evaluated: 2013-09-19. Review status: no classification provided. Collection method: reference population. Allele origin: germline.
Comment: Please see associated publication for description of ethnicities

Literature cited by the submitters: PubMed 24728327.